The following is an entry in ClinVar:

NM_020297.4(ABCC9):c.1182A>C (p.Lys394Asn)

Gene: ABCC9 (ATP binding cassette subfamily C member 9; minus strand). Cytogenetic location: 12p12.1.
Variant type: single nucleotide variant.
Coding change: c.1182A>C on transcript NM_020297.4 (MANE Select); coding-DNA position 1182, A replaced by C.
Protein change: p.Lys394Asn; replaces lysine 394 with asparagine.
Molecular consequence: missense variant.
Genome position (GRCh38, 1-based): chr12:21,910,295, T>G on the plus strand (A>C on the coding strand, the complement: ABCC9 is on the minus strand). VCF-style: chr12-21910295-T-G. GRCh37 (hg19) VCF-style: chr12-22063229-T-G.
Other names: c.1182A>C, p.Lys394Asn (NM_001377273.1, NM_005691.4); c.318A>C, p.Lys106Asn (NM_001377274.1); short protein forms K106N, K394N.
Identifiers: ClinVar variation 1421184 (VCV001421184.6), dbSNP rs2137869444, ClinGen allele CA384118974.

ClinVar aggregate classification (germline): Uncertain significance (1 of 4 stars; one submission).

Conditions:
Dilated cardiomyopathy 1O (CMD1O). Also called: CARDIOMYOPATHY, DILATED, WITH VENTRICULAR TACHYCARDIA. Identifiers: Orphanet 154, MedGen C1837839, MONDO:0012062, OMIM 608569.

gnomAD v4.1: 1 of 1,600,870 alleles (0.000062%); no homozygotes.

Submission:

Labcorp Genetics (formerly Invitae), Labcorp
Classification: Uncertain significance for Dilated cardiomyopathy 1O. Last evaluated: 2021-09-06. Review status: criteria provided, single submitter. Criteria: Invitae Variant Classification Sherloc (09022015). Collection method: clinical testing. Allele origin: germline.
Comment: This sequence change replaces lysine with asparagine at codon 394 of the ABCC9 protein (p.Lys394Asn). The lysine residue is highly conserved and there is a moderate physicochemical difference between lysine and asparagine. This variant is not present in population databases (ExAC no frequency). This variant has not been reported in the literature in individuals affected with ABCC9-related conditions. Algorithms developed to predict the effect of missense changes on protein structure and function are either unavailable or do not agree on the potential impact of this missense change (SIFT: "Deleterious"; PolyPhen-2: "Probably Damaging"; Align-GVGD: "Class C0"). In summary, the available evidence is currently insufficient to determine the role of this variant in disease. Therefore, it has been classified as a Variant of Uncertain Significance.